The following is an entry in ClinVar:

NM_001394372.1(BICRA):c.1624C>T (p.Leu542Phe)

Gene: BICRA (BRD4 interacting chromatin remodeling complex associated protein; plus strand). Cytogenetic location: 19q13.33.
Variant type: single nucleotide variant.
Coding change: c.1624C>T on transcript NM_001394372.1 (MANE Select); coding-DNA position 1624, C replaced by T.
Protein change: p.Leu542Phe; replaces leucine 542 with phenylalanine.
Molecular consequence: missense variant.
Genome position (GRCh38, 1-based): chr19:47,680,794, C>T. VCF-style: chr19-47680794-C-T. GRCh37 (hg19) VCF-style: chr19-48184051-C-T.
Other names: c.1624C>T, p.Leu542Phe (NM_015711.3); short protein forms L542F.
Identifiers: ClinVar variation 2635769 (VCV002635769.1), dbSNP rs1002097578, ClinGen allele CA406614158.

ClinVar aggregate classification (germline): Uncertain significance (1 of 4 stars; one submission).

Conditions:
BICRA-related disorder. Also called: BICRA-related condition.

Submission:

PreventionGenetics, part of Exact Sciences
Classification: Uncertain significance for BICRA-related condition. Last evaluated: 2022-09-06. Review status: criteria provided, single submitter. Criteria: ACMG Guidelines, 2015. Collection method: clinical testing. Allele origin: germline.
Comment: The BICRA c.1624C>T variant is predicted to result in the amino acid substitution p.Leu542Phe. To our knowledge, this variant has not been reported in the literature or in a large population database, indicating this variant is rare. At this time, the clinical significance of this variant is uncertain due to the absence of conclusive functional and genetic evidence.